The following is an entry in ClinVar:

NM_000540.3(RYR1):c.14038C>T (p.Arg4680Trp)

Gene: RYR1 (ryanodine receptor 1; plus strand). Cytogenetic location: 19q13.2.
Variant type: single nucleotide variant.
Coding change: c.14038C>T on transcript NM_000540.3 (MANE Select); coding-DNA position 14038, C replaced by T.
Protein change: p.Arg4680Trp; replaces arginine 4680 with tryptophan.
Molecular consequence: missense variant.
Genome position (GRCh38, 1-based): chr19:38,573,216, C>T. VCF-style: chr19-38573216-C-T. GRCh37 (hg19) VCF-style: chr19-39063856-C-T.
Other names: c.14023C>T, p.Arg4675Trp (NM_001042723.2); short protein forms R4675W, R4680W.
Identifiers: ClinVar variation 3071192 (VCV003071192.1), dbSNP rs1345326691, ClinGen allele CA405682082.

ClinVar aggregate classification (germline): Uncertain significance (1 of 4 stars; one submission).

Conditions:
Malignant hyperthermia, susceptibility to, 1 (MHS1). Also called: Anesthesia related hyperthermia; Malignant hyperpyrexia; Fulminating hyperpyrexia; Pharmacogenic myopathy; RYR1-Related Malignant Hyperthermia Susceptibility; Malignant hyperthermia suceptibility 1. Identifiers: Orphanet 423, MedGen C2930980, MONDO:0007783, OMIM 145600.

Submission:

All of Us Research Program, National Institutes of Health
Classification: Uncertain significance for Malignant hyperthermia, susceptibility to, 1. Last evaluated: 2023-05-31. Review status: criteria provided, single submitter. Criteria: ACMG Guidelines, 2015. Collection method: clinical testing. Allele origin: germline. Inheritance: Autosomal dominant inheritance. Observed: 1 variant allele, 1 heterozygote.
Comment: This study involves interpretation of variants in research participants for the purpose of population health screening. Participant phenotype was not available at the time of variant classification. Additional details can be found in publication PMID: 35346344, PMCID: PMC8962531